The following is an entry in ClinVar:

ClinVar aggregate classification (germline): Likely benign. Review status: criteria provided, multiple submitters, no conflicts (2 of 4 stars). 10 submissions from 10 submitters: Likely benign (6). 4 of the submissions do not count toward it. Last evaluated 2026-01-31.

Conditions:
Cardiovascular phenotype. Identifiers: MedGen CN230736.
ALPK3-related disorder. Also called: ALPK3-related condition.

Allele frequency attached by ClinVar (database versions not stated): 1000 Genomes Project 30x 0.00031; gnomAD 0.00039; ESP Exome Variant Server 0.00046; TOPMed 0.00055.
gnomAD v4.1: 877 of 1,614,126 alleles (0.054%); highest among the groups gnomAD compares: Non-Finnish European, 0.068%; no homozygotes.

Submissions (10):

Labcorp Genetics (formerly Invitae), Labcorp
Classification: Likely benign. Last evaluated: 2026-01-31. Review status: criteria provided, single submitter. Criteria: Invitae Variant Classification Sherloc (09022015). Collection method: clinical testing. Allele origin: germline.

Women's Health and Genetics/Laboratory Corporation of America, LabCorp
Classification: Likely benign. Last evaluated: 2025-02-13. Review status: criteria provided, single submitter. Criteria: LabCorp Variant Classification Summary - May 2015. Collection method: clinical testing. Allele origin: germline.

Blueprint Genetics
Classification: Likely benign. Last evaluated: 2024-09-20. Review status: criteria provided, single submitter. Criteria: ACMG Guidelines, 2015. Collection method: clinical testing. Allele origin: germline.

GeneDx
Classification: Likely benign. Last evaluated: 2019-09-16. Review status: criteria provided, single submitter. Criteria: GeneDx Variant Classification Process June 2021. Collection method: clinical testing. Allele origin: germline. Affected: yes.

Ambry Genetics
Classification: Likely benign for Cardiovascular phenotype. Last evaluated: 2019-07-15. Review status: criteria provided, single submitter. Criteria: Ambry Variant Classification Scheme 2023. Collection method: clinical testing. Allele origin: germline.

Breakthrough Genomics
Classification: Likely benign. Review status: criteria provided, single submitter. Criteria: ACMG Guidelines, 2015. Collection method: not provided. Allele origin: germline. Inheritance: Autosomal recessive inheritance. Affected: yes.

PreventionGenetics, part of Exact Sciences
Classification: Likely benign for ALPK3-related condition. Last evaluated: 2019-06-18. Review status: no assertion criteria provided. Collection method: clinical testing. Allele origin: germline. Not counted in ClinVar's aggregate classification.
Comment: This variant is classified as likely benign based on ACMG/AMP sequence variant interpretation guidelines (Richards et al. 2015 PMID: 25741868, with internal and published modifications).

Clinical Genetics DNA and cytogenetics Diagnostics Lab, Erasmus MC, Erasmus Medical Center
Classification: Likely benign. Review status: no assertion criteria provided. Collection method: clinical testing. Allele origin: germline. Affected: yes. Study: VKGL Data-share Consensus. Not counted in ClinVar's aggregate classification.

Clinical Genetics, Academic Medical Center
Classification: Benign. Review status: no assertion criteria provided. Collection method: clinical testing. Allele origin: germline. Affected: yes. Study: VKGL Data-share Consensus. Not counted in ClinVar's aggregate classification.

Diagnostic Laboratory, Department of Genetics, University Medical Center Groningen
Classification: Likely benign. Review status: no assertion criteria provided. Collection method: clinical testing. Allele origin: germline. Affected: yes. Study: VKGL Data-share Consensus. Not counted in ClinVar's aggregate classification.

NM_020778.5(ALPK3):c.2223C>T (p.Leu741=)

Gene: ALPK3 (alpha kinase 3; plus strand). Cytogenetic location: 15q25.3.
Variant type: single nucleotide variant.
Coding change: c.2223C>T on transcript NM_020778.5 (MANE Select); coding-DNA position 2223, C replaced by T.
Protein change: p.Leu741=; no amino-acid change (leucine 741 retained).
Molecular consequence: synonymous variant.
Genome position (GRCh38, 1-based): chr15:84,856,961, C>T. VCF-style: chr15-84856961-C-T. GRCh37 (hg19) VCF-style: chr15-85400192-C-T.
Identifiers: ClinVar variation 506498 (VCV000506498.23), dbSNP rs138935453, ClinGen allele CA7709365.
Genomic context (GRCh38, chr15:84,856,961, plus strand): 5'-AGGTCAGTCTGAGCAAGAGGTGGCAACCAGCCTCGGCCCACCATCCAGAACCCCCAAACT[C>T]CCACCTACAGCGGGTCCTAGAGCTCCTCTGAATATTGAATGTTTTGTACAGACCCCAGAA-3'
Protein context (NP_065829.4, residues 731-751): SLGPPSRTPK[Leu741=]PPTAGPRAPL